The following is an entry in ClinVar:

NM_014956.5(CEP164):c.347A>G (p.Lys116Arg)

Gene: CEP164 (centrosomal protein 164; plus strand). Cytogenetic location: 11q23.3.
Variant type: single nucleotide variant.
Coding change: c.347A>G on transcript NM_014956.5 (MANE Select); coding-DNA position 347, A replaced by G.
Protein change: p.Lys116Arg; replaces lysine 116 with arginine.
Molecular consequence: missense variant.
Genome position (GRCh38, 1-based): chr11:117,351,942, A>G. VCF-style: chr11-117351942-A-G. GRCh37 (hg19) VCF-style: chr11-117222658-A-G.
Other names: c.347A>G, p.Lys116Arg (NM_001271933.2); short protein forms K116R.
Identifiers: ClinVar variation 2759006 (VCV002759006.3), dbSNP rs867484690, ClinGen allele CA229380293.
Genomic context (GRCh38, chr11:117,351,942, plus strand): 5'-TGATCCAAGAGCGGGCAAAGCTGTCAACTTCTGGGGCCATTAAGAAGAAGAAAAAAAAAA[A>G]GGAAAAGAAAGACAAGAAGGACAGAGACCCCCCCAAAAGTTCGCTGGTGAGTCAGTGGAT-3'
Protein context (NP_055771.4, residues 106-126): SGAIKKKKKK[Lys116Arg]EKKDKKDRDP

ClinVar aggregate classification (germline): Uncertain significance (1 of 4 stars; one submission).

Conditions:
Nephronophthisis 15 (NPHP15). Identifiers: Orphanet 3156, MedGen C3541853, MONDO:0013917, OMIM 614845.

Submission:

Labcorp Genetics (formerly Invitae), Labcorp
Classification: Uncertain significance for Nephronophthisis 15. Last evaluated: 2023-05-23. Review status: criteria provided, single submitter. Criteria: Invitae Variant Classification Sherloc (09022015). Collection method: clinical testing. Allele origin: germline.
Comment: An algorithm developed to predict the effect of missense changes on protein structure and function (PolyPhen-2) suggests that this variant is likely to be tolerated. This variant has not been reported in the literature in individuals affected with CEP164-related conditions. This variant is not present in population databases (gnomAD no frequency). This sequence change replaces lysine, which is basic and polar, with arginine, which is basic and polar, at codon 116 of the CEP164 protein (p.Lys116Arg). In summary, the available evidence is currently insufficient to determine the role of this variant in disease. Therefore, it has been classified as a Variant of Uncertain Significance.